The following is an entry in ClinVar:

NM_000540.3(RYR1):c.12829G>T (p.Glu4277Ter)

Gene: RYR1 (ryanodine receptor 1; plus strand). Cytogenetic location: 19q13.2.
Variant type: single nucleotide variant.
Coding change: c.12829G>T on transcript NM_000540.3 (MANE Select); coding-DNA position 12829, G replaced by T.
Protein change: p.Glu4277Ter; replaces glutamic acid 4277 with a stop codon.
Molecular consequence: nonsense.
Genome position (GRCh38, 1-based): chr19:38,565,163, G>T. VCF-style: chr19-38565163-G-T. GRCh37 (hg19) VCF-style: chr19-39055803-G-T.
Other names: c.12814G>T, p.Glu4272Ter (NM_001042723.2); short protein forms E4277*, E4272*.
Identifiers: ClinVar variation 1429242 (VCV001429242.6), dbSNP rs2145843996, ClinGen allele CA405671366.

ClinVar aggregate classification (germline): Pathogenic (1 of 4 stars; one submission).

Conditions:
RYR1-related disorder. Also called: RYR1-related condition; RYR1-related disorders. Identifiers: MedGen CN239331.

Allele frequency attached by ClinVar (database versions not stated): gnomAD exomes below 0.00001.
gnomAD v4.1: 1 of 1,472,356 alleles (0.000068%); highest among the groups gnomAD compares: East Asian, 0.0027%; no homozygotes.

Submission:

Labcorp Genetics (formerly Invitae), Labcorp
Classification: Pathogenic for RYR1-related disorder. Last evaluated: 2022-06-27. Review status: criteria provided, single submitter. Criteria: Invitae Variant Classification Sherloc (09022015). Collection method: clinical testing. Allele origin: germline.
Comment: For these reasons, this variant has been classified as Pathogenic. This variant has not been reported in the literature in individuals affected with RYR1-related conditions. This variant is not present in population databases (gnomAD no frequency). This sequence change creates a premature translational stop signal (p.Glu4277*) in the RYR1 gene. It is expected to result in an absent or disrupted protein product. Loss-of-function variants in RYR1 are known to be pathogenic (PMID: 20583297, 20839240, 23919265, 28818389).

Literature cited by the submitters: PubMed 20583297; PubMed 20839240; PubMed 23919265; PubMed 28818389.